The following is an entry in ClinVar:

ClinVar aggregate classification (germline): Uncertain significance. Review status: criteria provided, multiple submitters, no conflicts (2 of 4 stars). 3 submissions from 3 submitters: Uncertain significance (3). Last evaluated 2022-08-17.

Conditions:
Inborn genetic diseases. Identifiers: MedGen C0950123, MeSH D030342.
Spastic paraplegia. Identifiers: MedGen C0037772, HP:0001258.

Allele frequency attached by ClinVar (database versions not stated): TOPMed below 0.00001; ExAC 0.00001; gnomAD 0.00001; gnomAD exomes 0.00001.
gnomAD v4.1: 8 of 1,613,962 alleles (0.0005%); highest among the groups gnomAD compares: Middle Eastern, 0.016%; no homozygotes.

Submissions (3):

GeneDx
Classification: Uncertain significance. Last evaluated: 2022-08-17. Review status: criteria provided, single submitter. Criteria: GeneDx Variant Classification Process June 2021. Collection method: clinical testing. Allele origin: germline. Affected: yes.
Comment: Not observed at significant frequency in large population cohorts (gnomAD); In silico analysis supports that this missense variant does not alter protein structure/function; Has not been previously published as pathogenic or benign to our knowledge

Labcorp Genetics (formerly Invitae), Labcorp
Classification: Uncertain significance for Spastic paraplegia. Last evaluated: 2022-06-19. Review status: criteria provided, single submitter. Criteria: Invitae Variant Classification Sherloc (09022015). Collection method: clinical testing. Allele origin: germline.
Comment: This sequence change replaces lysine, which is basic and polar, with arginine, which is basic and polar, at codon 4135 of the SACS protein (p.Lys4135Arg). This variant is present in population databases (rs769202221, gnomAD 0.0009%). This variant has not been reported in the literature in individuals affected with SACS-related conditions. Advanced modeling of protein sequence and biophysical properties (such as structural, functional, and spatial information, amino acid conservation, physicochemical variation, residue mobility, and thermodynamic stability) performed at Invitae indicates that this missense variant is not expected to disrupt SACS protein function. In summary, the available evidence is currently insufficient to determine the role of this variant in disease. Therefore, it has been classified as a Variant of Uncertain Significance.

Ambry Genetics
Classification: Uncertain significance for Inborn genetic diseases. Last evaluated: 2021-07-21. Review status: criteria provided, single submitter. Criteria: Ambry Variant Classification Scheme 2023. Collection method: clinical testing. Allele origin: germline.

NM_014363.6(SACS):c.12404A>G (p.Lys4135Arg)

Gene: SACS (sacsin molecular chaperone; minus strand). Cytogenetic location: 13q12.12.
Variant type: single nucleotide variant.
Coding change: c.12404A>G on transcript NM_014363.6 (MANE Select); coding-DNA position 12404, A replaced by G.
Protein change: p.Lys4135Arg; replaces lysine 4135 with arginine.
Molecular consequence: missense variant.
Genome position (GRCh38, 1-based): chr13:23,331,472, T>C on the plus strand (A>G on the coding strand, the complement: SACS is on the minus strand). VCF-style: chr13-23331472-T-C. GRCh37 (hg19) VCF-style: chr13-23905611-T-C.
Other names: c.11963A>G, p.Lys3988Arg (NM_001278055.2); c.12404A>G (NM_014363.4); short protein forms K4135R, K3988R.
Identifiers: ClinVar variation 2143740 (VCV002143740.3), dbSNP rs769202221, ClinGen allele CA6910147.